The following is an entry in ClinVar:

NM_000295.5(SERPINA1):c.762G>A (p.Gln254=)

Gene: SERPINA1 (serpin family A member 1; minus strand). Cytogenetic location: 14q32.13.
Variant type: single nucleotide variant.
Coding change: c.762G>A on transcript NM_000295.5 (MANE Select); coding-DNA position 762, G replaced by A.
Protein change: p.Gln254=; no amino-acid change (glutamine 254 retained).
Molecular consequence: synonymous variant.
Genome position (GRCh38, 1-based): chr14:94,381,026, C>T on the plus strand (G>A on the coding strand, the complement: SERPINA1 is on the minus strand). VCF-style: chr14-94381026-C-T. GRCh37 (hg19) VCF-style: chr14-94847363-C-T.
Other names: c.762G>A, p.Gln254= (NM_001002235.3, NM_001002236.3, NM_001127700.2 and 7 more transcripts).
Identifiers: ClinVar variation 4999592 (VCV004999592.1).

ClinVar aggregate classification (germline): Likely benign (1 of 4 stars; one submission).

Conditions:
SERPINA1-related disorder. Also called: SERPINA1-related condition; SerpinA1-related disorders.

Submission:

PreventionGenetics, part of Exact Sciences
Classification: Likely benign for SERPINA1-related condition. Last evaluated: 2025-04-10. Review status: criteria provided, single submitter. Criteria: ACMG Guidelines, 2015. Collection method: clinical testing. Allele origin: germline.
Comment: This variant is classified as likely benign based on ACMG/AMP sequence variant interpretation guidelines (Richards et al. 2015 PMID: 25741868, with internal and published modifications).